The following is an entry in ClinVar:

ClinVar aggregate classification (germline): Uncertain significance (1 of 4 stars; one submission).

Conditions:
Hereditary nonpolyposis colorectal neoplasms. Identifiers: MedGen C0009405, MeSH D003123.

Submission:

Labcorp Genetics (formerly Invitae), Labcorp
Classification: Uncertain significance for Hereditary nonpolyposis colorectal neoplasms. Last evaluated: 2022-11-22. Review status: criteria provided, single submitter. Criteria: Invitae Variant Classification Sherloc (09022015). Collection method: clinical testing. Allele origin: germline.
Comment: In summary, the available evidence is currently insufficient to determine the role of this variant in disease. Therefore, it has been classified as a Variant of Uncertain Significance. Advanced modeling of protein sequence and biophysical properties (such as structural, functional, and spatial information, amino acid conservation, physicochemical variation, residue mobility, and thermodynamic stability) performed at Invitae indicates that this missense variant is not expected to disrupt MSH6 protein function. This variant has not been reported in the literature in individuals affected with MSH6-related conditions. This variant is not present in population databases (gnomAD no frequency). This sequence change replaces lysine, which is basic and polar, with threonine, which is neutral and polar, at codon 676 of the MSH6 protein (p.Lys676Thr).

NM_000179.3(MSH6):c.2027A>C (p.Lys676Thr)

Gene: MSH6 (mutS homolog 6; plus strand). Cytogenetic location: 2p16.3.
Variant type: single nucleotide variant.
Coding change: c.2027A>C on transcript NM_000179.3 (MANE Select); coding-DNA position 2027, A replaced by C.
Protein change: p.Lys676Thr; replaces lysine 676 with threonine.
Molecular consequence: missense variant. On other transcripts: intron variant (2), non-coding transcript variant (5).
Genome position (GRCh38, 1-based): chr2:47,800,010, A>C. VCF-style: chr2-47800010-A-C. GRCh37 (hg19) VCF-style: chr2-48027149-A-C.
Other names: c.1606+421A>C (NM_001406817.1); c.628-656A>C (NM_001407362.1); c.1637A>C, p.Lys546Thr (NM_001281492.2); c.1121A>C, p.Lys374Thr (NM_001281493.2, NM_001281494.2, NM_001406823.1 and 6 more transcripts); c.2123A>C, p.Lys708Thr (NM_001406795.1, NM_001406802.1); c.2027A>C, p.Lys676Thr (NM_001406796.1, NM_001406798.1, NM_001406800.1 and 3 more transcripts); c.1730A>C, p.Lys577Thr (NM_001406797.1, NM_001406801.1, NM_001406805.1 and 10 more transcripts); c.1502A>C, p.Lys501Thr (NM_001406799.1, NM_001406806.1, NM_001406807.1); and 3 more; short protein forms K577T, K676T, K708T, K546T, K678T, K374T, K501T, K620T.
Identifiers: ClinVar variation 2808405 (VCV002808405.3), dbSNP rs143643688, ClinGen allele CA346750713.
Genomic context (GRCh38, chr2:47,800,010, plus strand): 5'-CCCAGGTGCTTAAAGGTATGACTTCAGAGTCTGATTCCATTGGGTTGACACCAGGAGAGA[A>C]AAGTGAATTGGCCCTCTCTGCTCTAGGTGGTTGTGTCTTCTACCTCAAAAAATGCCTTAT-3'
Protein context (NP_000170.1, residues 666-686): SDSIGLTPGE[Lys676Thr]SELALSALGG